The following is an entry in ClinVar:

NM_001278512.2(AP3B2):c.2582_2583del (p.Thr861fs)

Genes: AP3B2 (adaptor related protein complex 3 subunit beta 2; minus strand), CPEB1-AS1 (CPEB1 antisense RNA 1; plus strand). Cytogenetic location: 15q25.2.
Variant type: Microsatellite.
Coding change: c.2582_2583del on transcript NM_001278512.2 (MANE Select); coding-DNA positions 2582 to 2583, 2 bases deleted (CA; older notation c.2582_2583delCA).
Protein change: p.Thr861fs; shifts the reading frame from threonine 861.
Molecular consequence: frameshift variant.
Genome position (GRCh38, 1-based): chr15:82,663,148-82,663,149, TG deleted on the plus strand (CA on the coding strand, the reverse complement: AP3B2 is on the minus strand); deleting any 2 consecutive bases within chr15:82,663,148-82,663,151 gives the same sequence; the c. name uses the placement nearest the transcript's 3' end. VCF-style (leftmost placement, unchanged base first): chr15-82663147-CTG-C. GRCh37 (hg19) VCF-style: chr15-83331899-CTG-C.
Other names: c.2429_2430del, p.Thr810fs (NM_001278511.2); c.2525_2526del, p.Thr842fs (NM_004644.5); c.2525_2526delCA (NM_004644.3); c.2525_2526del (NM_004644.3); short protein forms T810fs, T842fs, T861fs.
Identifiers: ClinVar variation 817382 (VCV000817382.4), dbSNP rs1596166524, ClinGen allele CA915946086.

ClinVar aggregate classification (germline): Pathogenic/Likely pathogenic. Review status: criteria provided, multiple submitters, no conflicts (2 of 4 stars). 2 submissions from 2 submitters: Pathogenic (1); Likely pathogenic (1). Last evaluated 2024-08-11.

Submissions (2):

Labcorp Genetics (formerly Invitae), Labcorp
Classification: Pathogenic. Last evaluated: 2024-08-11. Review status: criteria provided, single submitter. Criteria: Invitae Variant Classification Sherloc (09022015). Collection method: clinical testing. Allele origin: germline.
Comment: This sequence change creates a premature translational stop signal (p.Thr842Argfs*58) in the AP3B2 gene. It is expected to result in an absent or disrupted protein product. Loss-of-function variants in AP3B2 are known to be pathogenic (PMID: 27889060). This variant is not present in population databases (gnomAD no frequency). This variant has not been reported in the literature in individuals affected with AP3B2-related conditions. For these reasons, this variant has been classified as Pathogenic.

GeneDx
Classification: Likely pathogenic. Last evaluated: 2024-03-26. Review status: criteria provided, single submitter. Criteria: GeneDx Variant Classification Process June 2021. Collection method: clinical testing. Allele origin: germline. Affected: yes.
Comment: Frameshift variant predicted to result in protein truncation or nonsense mediated decay in a gene for which loss of function is a known mechanism of disease; Not observed at significant frequency in large population cohorts (gnomAD); Has not been previously published as pathogenic or benign to our knowledge

Literature cited by the submitters: PubMed 27889060 (cited by Labcorp Genetics (formerly Invitae), Labcorp).